The following is an entry in ClinVar:

NM_005908.4(MANBA):c.1705-13C>T

Gene: MANBA (mannosidase beta; minus strand). Cytogenetic location: 4q24.
Variant type: single nucleotide variant.
Coding change: c.1705-13C>T on transcript NM_005908.4 (MANE Select); 13 bases into the intron before coding-DNA position 1705, C replaced by T.
Molecular consequence: intron variant.
Genome position (GRCh38, 1-based): chr4:102,650,714, G>A on the plus strand (C>T on the coding strand, the complement: MANBA is on the minus strand). VCF-style: chr4-102650714-G-A. GRCh37 (hg19) VCF-style: chr4-103571871-G-A.
Identifiers: ClinVar variation 347087 (VCV000347087.16), dbSNP rs34754408, ClinGen allele CA3026818.

ClinVar aggregate classification (germline): Benign/Likely benign. Review status: criteria provided, multiple submitters, no conflicts (2 of 4 stars). 4 submissions from 4 submitters: Benign (1); Likely benign (2). 1 of the submissions does not count toward it. Last evaluated 2026-02-01.

Conditions:
Beta-D-mannosidosis (MANSB). Also called: LYSOSOMAL BETA-MANNOSIDASE DEFICIENCY; Beta-Mannosidosis; MANNOSIDOSIS, BETA A, LYSOSOMAL; BETA-MANNOSIDASE DEFICIENCY. Identifiers: Orphanet 118, MedGen C4048196, MONDO:0009562, OMIM 248510.

Allele frequency attached by ClinVar (database versions not stated): 1000 Genomes Project 30x 0.01202; 1000 Genomes Project 0.01098; TOPMed 0.01380.
gnomAD v4.1: 7,972 of 1,606,542 alleles (0.5%); highest among the groups gnomAD compares: African/African-American, 3.6%; 67 homozygotes.

Submissions (4):

Labcorp Genetics (formerly Invitae), Labcorp
Classification: Benign for Beta-D-mannosidosis. Last evaluated: 2026-02-01. Review status: criteria provided, single submitter. Criteria: Invitae Variant Classification Sherloc (09022015). Collection method: clinical testing. Allele origin: germline.

Illumina Laboratory Services, Illumina
Classification: Likely benign for Beta-D-mannosidosis. Last evaluated: 2017-04-27. Review status: criteria provided, single submitter. Criteria: ICSL Variant Classification Criteria 13 December 2019. Collection method: clinical testing. Allele origin: germline.
Comment: This variant was observed as part of a predisposition screen in an ostensibly healthy population. A literature search was performed for the gene, cDNA change, and amino acid change (where applicable). No publications were found based on this search. Allele frequency data from public databases allowed determination this variant is unlikely to cause disease. Therefore, this variant is classified as likely benign.

Breakthrough Genomics
Classification: Likely benign. Review status: criteria provided, single submitter. Criteria: ACMG Guidelines, 2015. Collection method: not provided. Allele origin: germline. Inheritance: Autosomal recessive inheritance. Affected: yes.

Mayo Clinic Laboratories, Mayo Clinic
Classification: Benign. Last evaluated: 2017-05-31. Review status: no assertion criteria provided. Collection method: clinical testing. Allele origin: unknown. Not counted in ClinVar's aggregate classification.